The following is an entry in ClinVar:

NM_000400.4(ERCC2):c.1666-8_1740dup

Gene: ERCC2 (ERCC excision repair 2, TFIIH core complex helicase subunit; minus strand). Cytogenetic location: 19q13.32.
Variant type: Duplication.
Coding change: c.1666-8_1740dup on transcript NM_000400.4 (MANE Select); 8 bases into the intron before coding-DNA position 1666 through coding-DNA position 1740, 83 bases duplicated.
Molecular consequence: splice acceptor variant.
Genome position (GRCh38, 1-based): chr19:45,353,260-45,353,342, 83 bases duplicated. GRCh37 (hg19): chr19:45,856,520-45,856,602.
Identifiers: ClinVar variation 2650103 (VCV002650103.24), dbSNP rs1971889059, ClinGen allele CA996295938.

ClinVar aggregate classification (germline): Pathogenic (1 of 4 stars; one submission).

Submission:

CeGaT Center for Human Genetics Tuebingen
Classification: Pathogenic. Last evaluated: 2023-10-01. Review status: criteria provided, single submitter. Criteria: CeGaT Center For Human Genetics Tuebingen Variant Classification Criteria Version 2. Collection method: clinical testing. Allele origin: germline. Affected: yes. Observed: 1 variant allele.
Comment: ERCC2: PVS1, PM2